The following is an entry in ClinVar:

ClinVar aggregate classification (germline): Pathogenic/Likely pathogenic. Review status: criteria provided, multiple submitters, no conflicts (2 of 4 stars). 4 submissions from 4 submitters: Pathogenic (3); Likely pathogenic (1). Last evaluated 2025-08-11.

Conditions:
Glycogen storage disease type III (GSD3). Also called: Cori disease; FORBES DISEASE. Identifiers: Orphanet 366, MedGen C0017922, MONDO:0009291, OMIM 232400.

Submissions (4):

Natera, Inc.
Classification: Likely pathogenic for Glycogen storage disease type III. Last evaluated: 2025-08-11. Review status: criteria provided, single submitter. Criteria: Natera Variant Classification Schema (03/2026). Collection method: clinical testing. Allele origin: germline.
Comment: The c.251dupA variant in AGL is a frameshift variant predicted to shift the reading frame beginning at codon 84 and leads to a stop codon 17 codons downstream. This variant is expected to result in nonsense mediated decay, truncation, or a dysfunctional protein product. This variant is rare in the general population with a frequency below the threshold expected for the associated phenotype(s). Given the available evidence, this variant is classified as Likely Pathogenic.

Labcorp Genetics (formerly Invitae), Labcorp
Classification: Pathogenic for Glycogen storage disease type III. Last evaluated: 2025-05-25. Review status: criteria provided, single submitter. Criteria: Invitae Variant Classification Sherloc (09022015). Collection method: clinical testing. Allele origin: germline.
Comment: This sequence change creates a premature translational stop signal (p.Asn84Lysfs*17) in the AGL gene. It is expected to result in an absent or disrupted protein product. Loss-of-function variants in AGL are known to be pathogenic (PMID: 19299494). This variant is present in population databases (rs756175624, gnomAD 0.003%). This premature translational stop signal has been observed in individual(s) with glycogen storage disease (PMID: 27106217). ClinVar contains an entry for this variant (Variation ID: 574527). For these reasons, this variant has been classified as Pathogenic.

GeneDx
Classification: Pathogenic. Last evaluated: 2024-09-26. Review status: criteria provided, single submitter. Criteria: GeneDx Variant Classification Process June 2021. Collection method: clinical testing. Allele origin: germline. Affected: yes.
Comment: Reported in association with AGL-related glycogen storage disease 3 in the published literature (PMID: 27106217); Frameshift variant predicted to result in protein truncation or nonsense mediated decay in a gene for which loss of function is a known mechanism of disease; Not observed at significant frequency in large population cohorts (gnomAD); This variant is associated with the following publications: (PMID: 31980526, 27106217)

Baylor Genetics
Classification: Pathogenic for Glycogen storage disease type III. Last evaluated: 2024-03-21. Review status: criteria provided, single submitter. Criteria: ACMG Guidelines, 2015. Collection method: clinical testing. Allele origin: unknown.

Literature cited by the submitters: PubMed 19299494 (cited by Labcorp Genetics (formerly Invitae), Labcorp); PubMed 27106217 (cited by Labcorp Genetics (formerly Invitae), Labcorp).

NM_000642.3(AGL):c.251dup (p.Asn84fs)

Gene: AGL (amylo-alpha-1,6-glucosidase and 4-alpha-glucanotransferase; plus strand). Cytogenetic location: 1p21.2.
Variant type: Duplication.
Coding change: c.251dup on transcript NM_000642.3 (MANE Select); coding-DNA position 251, one base duplicated (A; older notation c.251dupA).
Protein change: p.Asn84fs; shifts the reading frame from asparagine 84.
Molecular consequence: frameshift variant.
Genome position (GRCh38, 1-based): chr1:99,861,671, A duplicated; the last of 2 consecutive A bases (chr1:99,861,670-99,861,671); duplicating either gives the same sequence. VCF-style (leftmost placement, unchanged base first): chr1-99861669-T-TA. GRCh37 (hg19) VCF-style: chr1-100327225-T-TA.
Other names: c.251dupA (NM_000642.2); c.251dup, p.Asn84Lysfs (NM_000028.3, NM_000643.3, NM_000644.3 and 5 more transcripts); c.203dup, p.Asn68Lysfs (NM_000646.3); c.251dup (NM_000642.2); short protein forms N68fs, N84fs.
Identifiers: ClinVar variation 574527 (VCV000574527.13), dbSNP rs756175624, ClinGen allele CA966099.
Genomic context (GRCh38, chr1:99,861,669, plus strand): 5'-TTCTCTGGATTGGGAAAATCCAACAGAAAGAGAAGATGATTCTGATAAATACTGTAAACT[T>TA]AATCTGCAACAATCTGGTTCATTTCAGTATTATTTCCTTCAAGGGTAAGTCAGGTGTTTT-3'